The following is an entry in ClinVar:

ClinVar aggregate classification (germline): Uncertain significance. Review status: criteria provided, multiple submitters, no conflicts (2 of 4 stars). 4 submissions from 2 submitters: Uncertain significance (4). Last evaluated 2018-01-13.

Conditions:
Maturity-onset diabetes of the young type 13. Also called: MODY, TYPE 13. Identifiers: Orphanet 552, MedGen C4225365, MONDO:0014589, OMIM 616329.
Maturity-onset diabetes of the young (MODY). Also called: Maturity onset diabetes mellitus in young. Identifiers: Orphanet 552, MedGen C0342276, MONDO:0018911, HP:0004904.
Diabetes mellitus, transient neonatal, 3 (TNDM3). Identifiers: Orphanet 99886, MedGen C1864623, MONDO:0012522, OMIM 610582. Disease mechanism: loss of function.
Hyperinsulinemic hypoglycemia, familial, 2. Also called: HYPERINSULINEMIC HYPOGLYCEMIA, PERSISTENT; HYPERINSULINISM, NEONATAL. Identifiers: Orphanet 276580, Orphanet 276603, MedGen C2931833, MONDO:0011153, OMIM 601820. Disease mechanism: loss of function.

Allele frequency attached by ClinVar (database versions not stated): gnomAD exomes 0.00005; gnomAD 0.00040 and 0.00041; TOPMed 0.00045; 1000 Genomes Project 30x 0.00047.
gnomAD v4.1: 69 of 349,036 alleles (0.02%); highest among the groups gnomAD compares: African/African-American, 0.15%; no homozygotes.

Submissions (4):

Illumina Laboratory Services, Illumina
Classification: Uncertain significance for Diabetes mellitus, transient neonatal, 3. Last evaluated: 2018-01-13. Review status: criteria provided, single submitter. Criteria: ICSL Variant Classification Criteria 13 December 2019. Collection method: clinical testing. Allele origin: germline.

Illumina Laboratory Services, Illumina
Classification: Uncertain significance for Maturity-onset diabetes of the young type 13. Last evaluated: 2018-01-13. Review status: criteria provided, single submitter. Criteria: ICSL Variant Classification Criteria 13 December 2019. Collection method: clinical testing. Allele origin: germline.

Illumina Laboratory Services, Illumina
Classification: Uncertain significance for Hyperinsulinemic hypoglycemia, familial, 2. Last evaluated: 2018-01-13. Review status: criteria provided, single submitter. Criteria: ICSL Variant Classification Criteria 13 December 2019. Collection method: clinical testing. Allele origin: germline.

Clinical Genomics, Uppaluri K&H Personalized Medicine Clinic
Classification: Uncertain significance for Maturity-onset diabetes of the young. Review status: criteria provided, single submitter. Criteria: K & H Uppaluri Personalized Medicine Clinic Variant Classification & Assertion Criteria_Updated V.1. Collection method: research. Allele origin: somatic. Inheritance: Autosomal dominant inheritance.
Comment: Mutations in KCNJ11 gene can cause decreased production and secretion of insulin. This can lead to MODY which may be responsive to oral sulfonylureas. It is also associated with Neonatal Diabetes. However, no sufficient evidence is found to ascertain the role of this particular variant (rs886048045) in MODY yet.

Literature cited by the submitters: PubMed 26448950 (cited by Clinical Genomics, Uppaluri K&H Personalized Medicine Clinic); PubMed 15580558 (cited by Clinical Genomics, Uppaluri K&H Personalized Medicine Clinic); PubMed 15718250 (cited by Clinical Genomics, Uppaluri K&H Personalized Medicine Clinic); PubMed 32935446 (cited by Clinical Genomics, Uppaluri K&H Personalized Medicine Clinic); PubMed 22701567 (cited by Clinical Genomics, Uppaluri K&H Personalized Medicine Clinic).

NM_000525.4(KCNJ11):c.-546G>T

Gene: KCNJ11 (potassium inwardly rectifying channel subfamily J member 11; minus strand). Cytogenetic location: 11p15.1.
Variant type: single nucleotide variant.
Coding change: c.-546G>T on transcript NM_000525.4 (MANE Select); 546 bases upstream of the start codon, G replaced by T.
Molecular consequence: 5 prime UTR variant. On other transcripts: intron variant (3).
Genome position (GRCh38, 1-based): chr11:17,388,637, C>A on the plus strand (G>T on the coding strand, the complement: KCNJ11 is on the minus strand). VCF-style: chr11-17388637-C-A. GRCh37 (hg19) VCF-style: chr11-17410184-C-A.
Other names: c.-17+537G>T (NM_001166290.2); c.-17+204G>T (NM_001377297.1); c.-76+204G>T (NM_001377296.1).
Identifiers: ClinVar variation 303744 (VCV000303744.6), dbSNP rs886048045, ClinGen allele CA10634202.